The following is an entry in ClinVar:

NM_000361.3(THBD):c.1704C>T (p.Thr568=)

Gene: THBD (thrombomodulin; minus strand). Cytogenetic location: 20p11.21.
Variant type: single nucleotide variant.
Coding change: c.1704C>T on transcript NM_000361.3 (MANE Select); coding-DNA position 1704, C replaced by T.
Protein change: p.Thr568=; no amino-acid change (threonine 568 retained).
Molecular consequence: synonymous variant.
Genome position (GRCh38, 1-based): chr20:23,047,801, G>A on the plus strand (C>T on the coding strand, the complement: THBD is on the minus strand). VCF-style: chr20-23047801-G-A. GRCh37 (hg19) VCF-style: chr20-23028438-G-A.
Other names: c.1704C>T (NM_000361.2).
Identifiers: ClinVar variation 1166044 (VCV001166044.10), dbSNP rs751317027, ClinGen allele CA9787506.
Genomic context (GRCh38, chr20:23,047,801, plus strand): 5'-CTCCTGGACGGAGCCAGGCTCCTGGACGGAGGCCGCTCAGAGTCTCTGCGGCGTCCGCTC[G>A]GTCCGCACGTGCTGCAGCACTACCTCCTTGGAAGGGGCCGCGCACTTGTACTCCATCTTG-3'
Protein context (NP_000352.1, residues 558-575): SKEVVLQHVR[Thr568=]ERTPQRL

ClinVar aggregate classification (germline): Benign/Likely benign. Review status: criteria provided, multiple submitters, no conflicts (2 of 4 stars). 2 submissions from 2 submitters: Benign (1); Likely benign (1). Last evaluated 2026-02-19.

Conditions:
THBD-related disorder. Also called: THBD-related condition.

Allele frequency attached by ClinVar (database versions not stated): gnomAD 0.00003; TOPMed 0.00003.

Submissions (2):

PreventionGenetics, part of Exact Sciences
Classification: Likely benign for THBD-related condition. Last evaluated: 2026-02-19. Review status: criteria provided, single submitter. Criteria: ACMG Guidelines, 2015. Collection method: clinical testing. Allele origin: germline.
Comment: This variant is classified as likely benign based on ACMG/AMP sequence variant interpretation guidelines (Richards et al. 2015 PMID: 25741868, with internal and published modifications).

Labcorp Genetics (formerly Invitae), Labcorp
Classification: Benign. Last evaluated: 2025-07-01. Review status: criteria provided, single submitter. Criteria: Invitae Variant Classification Sherloc (09022015). Collection method: clinical testing. Allele origin: germline.